The following is an entry in ClinVar:

ClinVar aggregate classification (germline): Uncertain significance (1 of 4 stars; one submission).

Conditions:
KDM3B-related disorder. Also called: KDM3B-related condition.

Allele frequency attached by ClinVar (database versions not stated): ExAC 0.00002; TOPMed 0.00004; gnomAD exomes 0.00005; ESP Exome Variant Server 0.00008.
gnomAD v4.1: 79 of 1,609,922 alleles (0.0049%); highest among the groups gnomAD compares: Non-Finnish European, 0.0067%; no homozygotes.

Submission:

PreventionGenetics, part of Exact Sciences
Classification: Uncertain significance for KDM3B-related condition. Last evaluated: 2023-08-17. Review status: criteria provided, single submitter. Criteria: ACMG Guidelines, 2015. Collection method: clinical testing. Allele origin: germline.
Comment: The KDM3B c.3272A>C variant is predicted to result in the amino acid substitution p.Glu1091Ala. To our knowledge, this variant has not been reported in the literature. This variant is reported in 0.0044% of alleles in individuals of European (Non-Finnish) descent in gnomAD. At this time, the clinical significance of this variant is uncertain due to the absence of conclusive functional and genetic evidence.

NM_016604.4(KDM3B):c.3272A>C (p.Glu1091Ala)

Gene: KDM3B (lysine demethylase 3B; plus strand). Cytogenetic location: 5q31.2.
Variant type: single nucleotide variant.
Coding change: c.3272A>C on transcript NM_016604.4 (MANE Select); coding-DNA position 3272, A replaced by C.
Protein change: p.Glu1091Ala; replaces glutamic acid 1091 with alanine.
Molecular consequence: missense variant.
Genome position (GRCh38, 1-based): chr5:138,415,204, A>C. VCF-style: chr5-138415204-A-C. GRCh37 (hg19) VCF-style: chr5-137750893-A-C.
Other names: short protein forms E1091A.
Identifiers: ClinVar variation 2636608 (VCV002636608.1), dbSNP rs371328452, ClinGen allele CA3429214.